The following is an entry in ClinVar:

NM_020680.4(SCYL1):c.864C>T (p.Ala288=)

Gene: SCYL1 (SCY1 like pseudokinase 1; plus strand). Cytogenetic location: 11q13.1.
Variant type: single nucleotide variant.
Coding change: c.864C>T on transcript NM_020680.4 (MANE Select); coding-DNA position 864, C replaced by T.
Protein change: p.Ala288=; no amino-acid change (alanine 288 retained).
Molecular consequence: synonymous variant.
Genome position (GRCh38, 1-based): chr11:65,530,643, C>T. VCF-style: chr11-65530643-C-T. GRCh37 (hg19) VCF-style: chr11-65298114-C-T.
Other names: c.435C>T, p.Ala145= (NM_001425203.1, NM_001425204.1, NM_001425205.1 and 2 more transcripts); c.252C>T, p.Ala84= (NM_001425208.1, NM_001425209.1, NM_001425210.1 and 1 more transcripts); c.864C>T, p.Ala288= (NM_001048218.2, NM_001411022.1, NM_001425179.1 and 18 more transcripts); c.861C>T, p.Ala287= (NM_001425180.1, NM_001425183.1); c.780C>T, p.Ala260= (NM_001425189.1); c.609C>T, p.Ala203= (NM_001425199.1); c.600C>T, p.Ala200= (NM_001425200.1).
Identifiers: ClinVar variation 4981830 (VCV004981830.1).
Genomic context (GRCh38, chr11:65,530,643, plus strand): 5'-GCAACCAGGCTGATCTCTTCCCCGGGTCCCGTCCTCACTCCCCCAGATCAAAGAGCCAGC[C>T]GAGAAGCAAAAATTCTTCCAGGAGCTGAGCAAGAGCCTGGACGCATTCCCTGAGGATTTC-3'
Protein context (NP_065731.3, residues 278-298): FLEEIQIKEP[Ala288=]EKQKFFQELS

ClinVar aggregate classification (germline): Uncertain significance (1 of 4 stars; one submission).

Conditions:
SCYL1-related disorder. Also called: SCYL1-related condition.

Submission:

PreventionGenetics, part of Exact Sciences
Classification: Uncertain significance for SCYL1-related condition. Last evaluated: 2026-03-25. Review status: criteria provided, single submitter. Criteria: ACMG Guidelines, 2015. Collection method: clinical testing. Allele origin: germline.
Comment: The SCYL1 c.864C>T variant is not predicted to result in an amino acid change (p.=). This variant is predicted to alter splicing based on available splicing prediction programs (SpliceAI, Jaganathan et al. 2019. PubMed ID: 30661751). However, the use of computer prediction programs is not equivalent to functional evidence. To our knowledge, this variant has not been reported in the literature. This variant is reported in 0.0051% of alleles in individuals of East Asian descent in gnomAD. At this time, the clinical significance of this variant is uncertain due to the absence of conclusive functional and genetic evidence.